The following is an entry in ClinVar:

NM_020549.5(CHAT):c.1282-2A>T

Gene: CHAT (choline O-acetyltransferase; plus strand). Cytogenetic location: 10q11.23.
Variant type: single nucleotide variant.
Coding change: c.1282-2A>T on transcript NM_020549.5 (MANE Select); the canonical splice acceptor site of the intron before coding-DNA position 1282, A replaced by T.
Molecular consequence: splice acceptor variant.
Genome position (GRCh38, 1-based): chr10:49,648,505, A>T. VCF-style: chr10-49648505-A-T. GRCh37 (hg19) VCF-style: chr10-50856551-A-T.
Other names: c.928-2A>T (NM_020984.4, NM_020985.4, NM_020986.4 and 2 more transcripts); c.1036-2A>T (NM_001142933.2).
Identifiers: ClinVar variation 2680737 (VCV002680737.4), dbSNP rs2538860611, ClinGen allele CA376742314.
Genomic context (GRCh38, chr10:49,648,505, plus strand): 5'-CAAGGGGCTGCCTTGCAATGCTGACTCTCCCATGATCGCCCACTCCCTCTTTCCTGTTGC[A>T]GTTTGTGGTGGGCCGAGACGGCACCTGCGGTGTGGTGTGCGAACACTCCCCATTCGATGG-3'

ClinVar aggregate classification (germline): Likely pathogenic. Review status: criteria provided, multiple submitters, no conflicts (2 of 4 stars). 2 submissions from 2 submitters: Likely pathogenic (2). Last evaluated 2023-10-06.

Conditions:
Familial infantile myasthenia (CMS6). Also called: MYASTHENIC SYNDROME, PRESYNAPTIC, CONGENITAL, ASSOCIATED WITH EPISODIC APNEA; Congenital myasthenic syndrome type 6; MYASTHENIC SYNDROME, CONGENITAL, 6, PRESYNAPTIC. Identifiers: Orphanet 590, MedGen C0393929, MONDO:0009689, OMIM 254210.

Submissions (2):

Labcorp Genetics (formerly Invitae), Labcorp
Classification: Likely pathogenic for Familial infantile myasthenia. Last evaluated: 2023-10-06. Review status: criteria provided, single submitter. Criteria: Invitae Variant Classification Sherloc (09022015). Collection method: clinical testing. Allele origin: germline.
Comment: This sequence change affects an acceptor splice site in intron 8 of the CHAT gene. It is expected to disrupt RNA splicing. Variants that disrupt the donor or acceptor splice site typically lead to a loss of protein function (PMID: 16199547), and loss-of-function variants in CHAT are known to be pathogenic (PMID: 12548525, 21786365, 23292760). This variant is not present in population databases (gnomAD no frequency). This variant has not been reported in the literature in individuals affected with CHAT-related conditions. Algorithms developed to predict the effect of sequence changes on RNA splicing suggest that this variant may disrupt the consensus splice site. In summary, the currently available evidence indicates that the variant is pathogenic, but additional data are needed to prove that conclusively. Therefore, this variant has been classified as Likely Pathogenic.

Baylor Genetics
Classification: Likely pathogenic for Familial infantile myasthenia. Last evaluated: 2023-02-18. Review status: criteria provided, single submitter. Criteria: ACMG Guidelines, 2015. Collection method: clinical testing. Allele origin: unknown.

Literature cited by the submitters: PubMed 16199547 (cited by Labcorp Genetics (formerly Invitae), Labcorp); PubMed 12548525 (cited by Labcorp Genetics (formerly Invitae), Labcorp); PubMed 21786365 (cited by Labcorp Genetics (formerly Invitae), Labcorp); PubMed 23292760 (cited by Labcorp Genetics (formerly Invitae), Labcorp).